The following is an entry in ClinVar:

NM_020921.4(NIN):c.310C>T (p.Arg104Cys)

Gene: NIN (ninein; minus strand). Cytogenetic location: 14q22.1.
Variant type: single nucleotide variant.
Coding change: c.310C>T on transcript NM_020921.4 (MANE Select); coding-DNA position 310, C replaced by T.
Protein change: p.Arg104Cys; replaces arginine 104 with cysteine.
Molecular consequence: missense variant.
Genome position (GRCh38, 1-based): chr14:50,792,837, G>A on the plus strand (C>T on the coding strand, the complement: NIN is on the minus strand). VCF-style: chr14-50792837-G-A. GRCh37 (hg19) VCF-style: chr14-51259555-G-A.
Other names: c.310C>T, p.Arg104Cys (NM_016350.5, NM_182944.3, NM_182946.2); short protein forms R104C.
Identifiers: ClinVar variation 4807568 (VCV004807568.1).
Genomic context (GRCh38, chr14:50,792,837, plus strand): 5'-TCACTTCAGGAAACTCCTCCACGGACTCTTGGAACTCGGGCAAGGACCTTCGTCCGTAAC[G>A]CTTCCCACCTCTAACATATTTGGGCTGAGCTTCTAGTGAGCAGTCTGAGAGAGGAGACAA-3'
Protein context (NP_065972.4, residues 94-114): AQPKYVRGGK[Arg104Cys]YGRRSLPEFQ

ClinVar aggregate classification (germline): Uncertain significance (1 of 4 stars; one submission).

gnomAD v4.1: 3 of 1,614,168 alleles (0.00019%); highest among the groups gnomAD compares: Non-Finnish European, 0.00025%; no homozygotes.

Submission:

Labcorp Genetics (formerly Invitae), Labcorp
Classification: Uncertain significance. Last evaluated: 2026-01-12. Review status: criteria provided, single submitter. Criteria: Invitae Variant Classification Sherloc (09022015). Collection method: clinical testing. Allele origin: germline.
Comment: This sequence change replaces arginine, which is basic and polar, with cysteine, which is neutral and slightly polar, at codon 104 of the NIN protein (p.Arg104Cys). This variant is not present in population databases (gnomAD no frequency). This variant has not been reported in the literature in individuals affected with NIN-related conditions. An algorithm developed to predict the effect of missense changes on protein structure and function outputs the following: PolyPhen-2: "Benign". The cysteine amino acid residue is found in multiple mammalian species, which suggests that this missense change does not adversely affect protein function. In summary, the available evidence is currently insufficient to determine the role of this variant in disease. Therefore, it has been classified as a Variant of Uncertain Significance.